The following is an entry in ClinVar:

NM_000718.4(CACNA1B):c.6653C>T (p.Thr2218Ile)

Gene: CACNA1B (calcium voltage-gated channel subunit alpha1 B; plus strand). Cytogenetic location: 9q34.3.
Variant type: single nucleotide variant.
Coding change: c.6653C>T on transcript NM_000718.4 (MANE Select); coding-DNA position 6653, C replaced by T.
Protein change: p.Thr2218Ile; replaces threonine 2218 with isoleucine.
Molecular consequence: missense variant. On other transcripts: intron variant (1).
Genome position (GRCh38, 1-based): chr9:138,121,632, C>T. VCF-style: chr9-138121632-C-T. GRCh37 (hg19) VCF-style: chr9-141016084-C-T.
Other names: c.6490-24C>T (NM_001243812.2); c.6653C>T (NM_000718.3); short protein forms T2218I.
Identifiers: ClinVar variation 1917307 (VCV001917307.5), dbSNP rs1289512011, ClinGen allele CA375824187.

ClinVar aggregate classification (germline): Uncertain significance. Review status: criteria provided, multiple submitters, no conflicts (2 of 4 stars). 2 submissions from 2 submitters: Uncertain significance (2). Last evaluated 2025-11-03.

Allele frequency attached by ClinVar (database versions not stated): gnomAD exomes below 0.00001.

Submissions (2):

Ambry Genetics
Classification: Uncertain significance. Last evaluated: 2025-11-03. Review status: criteria provided, single submitter. Criteria: Ambry Variant Classification Scheme 2023. Collection method: clinical testing. Allele origin: germline.

Labcorp Genetics (formerly Invitae), Labcorp
Classification: Uncertain significance. Last evaluated: 2022-06-22. Review status: criteria provided, single submitter. Criteria: Invitae Variant Classification Sherloc (09022015). Collection method: clinical testing. Allele origin: germline.
Comment: In summary, the available evidence is currently insufficient to determine the role of this variant in disease. Therefore, it has been classified as a Variant of Uncertain Significance. Advanced modeling of protein sequence and biophysical properties (such as structural, functional, and spatial information, amino acid conservation, physicochemical variation, residue mobility, and thermodynamic stability) performed at Invitae indicates that this missense variant is not expected to disrupt CACNA1B protein function. This variant has not been reported in the literature in individuals affected with CACNA1B-related conditions. This variant is not present in population databases (gnomAD no frequency). This sequence change replaces threonine, which is neutral and polar, with isoleucine, which is neutral and non-polar, at codon 2218 of the CACNA1B protein (p.Thr2218Ile).